The following is an entry in ClinVar:

NM_015506.3(MMACHC):c.352del (p.Gln118fs)

Gene: MMACHC (metabolism of cobalamin associated C; plus strand). Cytogenetic location: 1p34.1.
Variant type: Deletion.
Coding change: c.352del on transcript NM_015506.3 (MANE Select); coding-DNA position 352, one base deleted (C; older notation c.352delC).
Protein change: p.Gln118fs; shifts the reading frame from glutamine 118.
Molecular consequence: frameshift variant.
Genome position (GRCh38, 1-based): chr1:45,508,287, C deleted; the last of 3 consecutive C bases (chr1:45,508,285-45,508,287); deleting any one gives the same sequence. VCF-style (leftmost placement, unchanged base first): chr1-45508284-GC-G. GRCh37 (hg19) VCF-style: chr1-45973956-GC-G.
Other names: c.352delC (NM_015506.2); c.181del, p.Gln61fs (NM_001330540.2); short protein forms Q118fs, Q61fs.
Identifiers: ClinVar variation 439905 (VCV000439905.34), dbSNP rs749264632, ClinGen allele CA827711.
Genomic context (GRCh38, chr1:45,508,284, plus strand): 5'-CTGCAGATAGAAATCATTGCTGACTACGAGGTGCACCCCAACCGACGCCCCAAGATCCTG[GC>G]CCAGACAGCAGCCCATGTAGCTGGGGCTGCTTACTACTACCAACGACAAGATGTGGAGGC-3'

ClinVar aggregate classification (germline): Pathogenic. Review status: criteria provided, multiple submitters, no conflicts (2 of 4 stars). 11 submissions from 11 submitters: Pathogenic (11). Last evaluated 2026-05-01.

Conditions:
MMACHC-related disorder. Also called: MMACHC-related condition.
Cobalamin C disease. Also called: Methylmalonic aciduria and homocystinuria, Vitamin B12-responsive; Vitamin B12 metabolic defect with combined deficiency of methylmalonyl-CoA mutase and homocysteine:methyltetrahydrofolate methyltransferase; methylmalonic aciduria and homocystinuria type cblC; Cobalamin-C methylmalonic acidemia and homocystinuria; Methylmalonic aciduria with homocystinuria cblC type; Methylmalonic acidemia and homocystinuria cblC type. Identifiers: Orphanet 26, Orphanet 79282, MedGen C1848561, MONDO:0010184, OMIM 277400.

Submissions (11):

PreventionGenetics, part of Exact Sciences
Classification: Pathogenic for MMACHC-related condition. Last evaluated: 2026-05-01. Review status: criteria provided, single submitter. Criteria: ACMG Guidelines, 2015. Collection method: clinical testing. Allele origin: germline.
Comment: The MMACHC c.352delC variant is predicted to result in a frameshift and premature protein termination (p.Gln118Argfs*6). This variant has been reported in the homozygous and compound heterozygous state in multiple individuals with methylmalonic aciduria, cblC type (cblC) (Lerner-Ellis et al. 2006. PubMed ID: 16311595; Bonafede et al. 2015. PubMed ID: 26658511). This variant is reported in 0.026% of alleles in individuals of Latino descent in gnomAD and is classified as pathogenic in the ClinVar database (Variation ID: 439905). Frameshift variants in MMACHC are expected to be pathogenic. This variant is interpreted as pathogenic.

Natera, Inc.
Classification: Pathogenic for Methylmalonic aciduria and homocystinuria cblC type. Last evaluated: 2025-08-05. Review status: criteria provided, single submitter. Criteria: Natera Variant Classification Schema (03/2026). Collection method: clinical testing. Allele origin: germline.
Comment: The c.352delC variant in MMACHC is a frameshift variant predicted to shift the reading frame beginning at codon 118 and leads to a stop codon 6 codons downstream. This variant is expected to result in nonsense mediated decay, truncation, or a dysfunctional protein product. This variant is rare in the general population with a frequency below the threshold expected for the associated phenotype(s). This variant has been observed in one or more individuals affected with the associated recessive disease, as either homozygous or compound heterozygous with a second variant (PMID: 26658511, 16311595). Given the available evidence, this variant is classified as Pathogenic.

Labcorp Genetics (formerly Invitae), Labcorp
Classification: Pathogenic for Cobalamin C disease. Last evaluated: 2025-01-27. Review status: criteria provided, single submitter. Criteria: Invitae Variant Classification Sherloc (09022015). Collection method: clinical testing. Allele origin: germline.
Comment: This sequence change creates a premature translational stop signal (p.Gln118Argfs*6) in the MMACHC gene. It is expected to result in an absent or disrupted protein product. Loss-of-function variants in MMACHC are known to be pathogenic (PMID: 16311595). This variant is present in population databases (rs749264632, gnomAD 0.02%). This premature translational stop signal has been observed in individual(s) with methylmalonic aciduria and homocystinuria, although the second alleles in these individuals were not reported (PMID: 16311595). ClinVar contains an entry for this variant (Variation ID: 439905). For these reasons, this variant has been classified as Pathogenic.

Fulgent Genetics
Classification: Pathogenic for Cobalamin C disease. Last evaluated: 2024-01-13. Review status: criteria provided, single submitter. Criteria: ACMG Guidelines, 2015. Collection method: clinical testing. Allele origin: germline.

3billion
Classification: Pathogenic for Cobalamin C disease. Last evaluated: 2023-07-13. Review status: criteria provided, single submitter. Criteria: ACMG Guidelines, 2015. Collection method: clinical testing. Allele origin: germline. Affected: yes.
Comment: The variant is observed at an extremely low frequency in the gnomAD v2.1.1 dataset (total allele frequency: 0.004%). Predicted Consequence/Location: Frameshift: predicted to result in a loss or disruption of normal protein function through nonsense-mediated decay (NMD) or protein truncation. Multiple pathogenic variants are reported downstream of the variant. The variant has been reported at least twice as pathogenic with clinical assertions and evidence for the classification (ClinVar ID: VCV000439905 /PMID: 16311595). Therefore, this variant is classified as Pathogenic according to the recommendation of ACMG/AMP guideline.

GeneDx
Classification: Pathogenic. Last evaluated: 2023-06-09. Review status: criteria provided, single submitter. Criteria: GeneDx Variant Classification Process June 2021. Collection method: clinical testing. Allele origin: germline. Affected: yes.
Comment: Frameshift variant predicted to result in protein truncation or nonsense mediated decay in a gene for which loss-of-function is a known mechanism of disease; This variant is associated with the following publications: (PMID: 29379858, 28071971, 32746448, 32778825, 28151490, 26658511, 16311595)

Genome-Nilou Lab
Classification: Pathogenic for Cobalamin C disease. Last evaluated: 2023-04-11. Review status: criteria provided, single submitter. Criteria: ACMG Guidelines, 2015. Collection method: clinical testing. Allele origin: germline. Affected: no.

Revvity Omics, Revvity
Classification: Pathogenic for Cobalamin C disease. Last evaluated: 2022-03-31. Review status: criteria provided, single submitter. Criteria: ACMG Guidelines, 2015. Collection method: clinical testing. Allele origin: germline.

Women's Health and Genetics/Laboratory Corporation of America, LabCorp
Classification: Pathogenic for Methylmalonic acidemia with homocystinuria. Last evaluated: 2020-04-24. Review status: criteria provided, single submitter. Criteria: LabCorp Variant Classification Summary - May 2015. Collection method: clinical testing. Allele origin: germline.
Comment: Variant summary: MMACHC c.352delC (p.Gln118ArgfsX6) results in a premature termination codon, predicted to cause a truncation of the encoded protein or absence of the protein due to nonsense mediated decay, which are commonly known mechanisms for disease. Truncations downstream of this position have been classified as pathogenic by our laboratory. The variant allele was found at a frequency of 3.6e-05 in 249434 control chromosomes (gnomAD). c.352delC has been reported in the literature in multiple compound heterozygous- (Lerner-Ellis_2006, Gilson_2018) and in at least one homozygous individuals (Bonafede_2015, Ahrens-Nicklas_2017) who were affected with Cobalamin C Disease (Methylmalonic Aciduria with Homocystinuria). These data indicate that the variant is very likely to be associated with disease. To our knowledge, no experimental evidence demonstrating an impact on protein function has been reported. Three clinical diagnostic laboratories have submitted clinical-significance assessments for this variant to ClinVar after 2014 without evidence for independent evaluation, and all of them classified the variant as pathogenic. Based on the evidence outlined above, the variant was classified as pathogenic.

ARUP Laboratories, Molecular Genetics and Genomics, ARUP Laboratories
Classification: Pathogenic. Last evaluated: 2017-03-17. Review status: criteria provided, single submitter. Criteria: ARUP Molecular Germline Variant Investigation Process. Collection method: clinical testing. Allele origin: germline.

Neuberg Centre For Genomic Medicine, NCGM
Classification: Pathogenic for Cobalamin C disease. Review status: criteria provided, single submitter. Criteria: ACMG Guidelines, 2015. Collection method: clinical testing. Allele origin: germline. Inheritance: Autosomal recessive inheritance. Affected: yes.
Comment: The observed frameshift c.352del (p.Gln118ArgfsTer6) variant in MMACHC gene has been previously reported in compound heterozygous / homozygous states in multiple individuals affected with MMACHC-related disorders (Whitaker et al., 2018; Lerner-Ellis et al., 2006; Gilson et al., 2017; Ahrens-Nicklas et al., 2017). The p.Gln118ArgfsTer6 variant is present with allele frequency of 0.004% in gnomAD Exomes. This variant has been submitted to the ClinVar database as Pathogenic (multiple submissions). This variant causes a frameshift starting with codon Glutamine 118, changes this amino acid to Arginine residue, and creates a premature Stop codon at position 6 of the new reading frame, denoted p.Gln118ArgfsTer6. This variant is predicted to cause loss of normal protein function through protein truncation. Loss of function variants in MMACHC gene have been previously reported to be disease causing (Lerner-Ellis et al., 2006). For these reasons, this variant has been classified as Pathogenic.

Literature cited by the submitters: PubMed 26658511 (cited by Natera, Inc. and Women's Health and Genetics/Laboratory Corporation of America, LabCorp); PubMed 16311595 (cited by 4 submitters); PubMed 21114891 (cited by Women's Health and Genetics/Laboratory Corporation of America, LabCorp); PubMed 28151490 (cited by Women's Health and Genetics/Laboratory Corporation of America, LabCorp); PubMed 29379858 (cited by Women's Health and Genetics/Laboratory Corporation of America, LabCorp).